The following is an entry in ClinVar:

ClinVar aggregate classification (germline): Likely benign (1 of 4 stars; one submission).

gnomAD v4.1: 3,041 of 1,613,054 alleles (0.19%); highest among the groups gnomAD compares: Non-Finnish European, 0.22%; 9 homozygotes.

Submission:

CeGaT Center for Human Genetics Tuebingen
Classification: Likely benign. Last evaluated: 2026-07-01. Review status: criteria provided, single submitter. Criteria: CeGaT Center For Human Genetics Tuebingen Variant Classification Criteria Version 2. Collection method: clinical testing. Allele origin: germline. Affected: yes. Observed: 2 variant alleles.
Comment: TSGA10: BP7

NM_025244.4(TSGA10):c.1509C>T (p.Ser503=)

Gene: TSGA10 (testis specific 10; minus strand). Cytogenetic location: 2q11.2.
Variant type: single nucleotide variant.
Coding change: c.1509C>T on transcript NM_025244.4 (MANE Select); coding-DNA position 1509, C replaced by T.
Protein change: p.Ser503=; no amino-acid change (serine 503 retained).
Molecular consequence: synonymous variant. On other transcripts: non-coding transcript variant (1).
Genome position (GRCh38, 1-based): chr2:99,035,335, G>A on the plus strand (C>T on the coding strand, the complement: TSGA10 is on the minus strand). VCF-style: chr2-99035335-G-A. GRCh37 (hg19) VCF-style: chr2-99651798-G-A.
Other names: c.1509C>T, p.Ser503= (NM_001349012.1, NM_182911.4); c.1182C>T, p.Ser394= (NM_001349013.2, NM_001349014.1).
Identifiers: ClinVar variation 3770650 (VCV003770650.13).